The following is an entry in ClinVar:

NM_007294.4(BRCA1):c.2670del (p.Ser891fs)

Gene: BRCA1 (BRCA1 DNA repair associated; minus strand). Cytogenetic location: 17q21.31.
Variant type: Deletion.
Coding change: c.2670del on transcript NM_007294.4 (MANE Select); coding-DNA position 2670, one base deleted (G; older notation c.2670delG).
Protein change: p.Ser891fs; shifts the reading frame from serine 891.
Molecular consequence: frameshift variant. On other transcripts: intron variant (137).
Genome position (GRCh38, 1-based): chr17:43,092,861, C deleted on the plus strand (G on the coding strand, the reverse complement: BRCA1 is on the minus strand); the first of 3 consecutive C bases (chr17:43,092,861-43,092,863); deleting any one gives the same sequence. VCF-style (leftmost placement, unchanged base first): chr17-43092860-AC-A. GRCh37 (hg19) VCF-style: chr17-41244877-AC-A.
Other names: 2789delG; c.2670delG (NM_007294.3); c.2337del, p.Ser780fs (NM_001407949.1, NM_001407950.1, NM_001407951.1 and 6 more transcripts); c.2334del, p.Ser779fs (NM_001407954.1, NM_001407955.1, NM_001407956.1 and 1 more transcripts); c.2289del, p.Ser764fs (NM_001407959.1, NM_001407960.1, NM_001407963.1); c.2286del, p.Ser763fs (NM_001407962.1); c.2526del, p.Ser843fs (NM_001407964.1, NM_001407740.1, NM_001407741.1 and 20 more transcripts); c.2166del, p.Ser723fs (NM_001407965.1); and 43 more; short protein forms S891fs, S844fs, S595fs, S723fs, S764fs, S779fs, S803fs, S821fs.
Identifiers: ClinVar variation 54636 (VCV000054636.10), dbSNP rs80357659, ClinGen allele CA001748.

ClinVar aggregate classification (germline): Pathogenic. Review status: reviewed by expert panel (3 of 4 stars). 6 submissions from 6 submitters: Pathogenic (1). 5 of the submissions do not count toward it. Last evaluated 2016-09-08.

Conditions:
Ovarian neoplasm. Also called: Ovarian tumor; Neoplasm of ovary; Ovarian Neoplasms. Identifiers: MedGen C0919267, MeSH D010051, MONDO:0021068, HP:0100615.
Breast-ovarian cancer, familial, susceptibility to, 1 (BROVCA1). Also called: OVARIAN CANCER, SUSCEPTIBILITY TO; BRCA1 Hereditary Breast and Ovarian Cancer. Identifiers: Orphanet 145, MedGen C2676676, MONDO:0011450, OMIM 604370. Disease mechanism: loss of function.

Submissions (6):

Evidence-based Network for the Interpretation of Germline Mutant Alleles (ENIGMA)
Classification: Pathogenic for Breast-ovarian cancer, familial, susceptibility to, 1. Last evaluated: 2016-09-08. Review status: reviewed by expert panel. Criteria: ENIGMA BRCA1/2 Classification Criteria (2015). Collection method: curation. Allele origin: germline.
Comment: Variant allele predicted to encode a truncated non-functional protein.

Institute for Clinical Genetics, University Hospital TU Dresden, University Hospital TU Dresden
Classification: Pathogenic. Last evaluated: 2021-11-03. Review status: criteria provided, single submitter. Criteria: ACMG Guidelines, 2015. Collection method: clinical testing. Allele origin: germline. Not counted in ClinVar's aggregate classification.

Consortium of Investigators of Modifiers of BRCA1/2 (CIMBA), c/o University of Cambridge
Classification: Pathogenic for Breast-ovarian cancer, familial, susceptibility to, 1. Last evaluated: 2015-10-02. Review status: criteria provided, single submitter. Criteria: CIMBA Mutation Classification guidelines May 2016. Collection method: clinical testing. Allele origin: germline. Not counted in ClinVar's aggregate classification.

BRCAlab, Lund University
Classification: Pathogenic for Breast-ovarian cancer, familial, susceptibility to, 1. Last evaluated: 2020-03-02. Review status: no assertion criteria provided. Collection method: clinical testing. Allele origin: germline. Affected: yes. Not counted in ClinVar's aggregate classification.

German Consortium for Hereditary Breast and Ovarian Cancer, University Hospital Cologne
Classification: Pathogenic for Ovarian neoplasm. Last evaluated: 2018-12-01. Review status: no assertion criteria provided. Collection method: research. Allele origin: somatic. Affected: yes. Not counted in ClinVar's aggregate classification.

Breast Cancer Information Core (BIC) (BRCA1)
Classification: Pathogenic for Breast-ovarian cancer, familial 1. Last evaluated: 2002-06-20. Review status: no assertion criteria provided. Collection method: clinical testing. Allele origin: germline. Affected: yes. Observed: 1 variant allele. Not counted in ClinVar's aggregate classification.